The following is an entry in ClinVar:

NM_001364905.1(LRBA):c.4086_4087del (p.Gln1363fs)

Gene: LRBA (LPS responsive beige-like anchor protein; minus strand). Cytogenetic location: 4q31.3.
Variant type: Microsatellite.
Coding change: c.4086_4087del on transcript NM_001364905.1 (MANE Select); coding-DNA positions 4086 to 4087, 2 bases deleted (TC; older notation c.4086_4087delTC).
Protein change: p.Gln1363fs; shifts the reading frame from glutamine 1363.
Molecular consequence: frameshift variant.
Genome position (GRCh38, 1-based): chr4:150,849,493-150,849,494, GA deleted on the plus strand (TC on the coding strand, the reverse complement: LRBA is on the minus strand); deleting any 2 consecutive bases within chr4:150,849,493-150,849,498 gives the same sequence; the c. name uses the placement nearest the transcript's 3' end. VCF-style (leftmost placement, unchanged base first): chr4-150849492-TGA-T. GRCh37 (hg19) VCF-style: chr4-151770644-TGA-T.
Other names: c.4082_4083TC[2], p.Gln1363Serfs (NM_001199282.3, NM_006726.5); c.4086_4087del, p.Gln1363fs (NM_001367550.1); short protein forms Q1363fs.
Identifiers: ClinVar variation 3384673 (VCV003384673.2).

ClinVar aggregate classification (germline): Likely pathogenic (0 of 4 stars; one submission).

Conditions:
Combined immunodeficiency due to LRBA deficiency. Also called: Common variable immunodeficiency 8, with autoimmunity. Identifiers: Orphanet 445018, MedGen C3553512, MONDO:0013863, OMIM 614700.

Submission:

National Institute of Immunohaematology, Indian Council of Medical Research
Classification: Likely pathogenic for Combined immunodeficiency due to LRBA deficiency. Review status: no assertion criteria provided. Collection method: research. Allele origin: germline. Inheritance: Autosomal recessive inheritance. Affected: yes. Observed: 1 homozygote.
Comment: The variant Gln1363SerfsTer25 has not been reported in the population database like 1000 genomes, gnomAD. The insilico prediction of the variant is deleterious.

Literature cited by the submitters: PubMed 22608502.